The following is an entry in ClinVar:

ClinVar aggregate classification (germline): Uncertain significance (1 of 4 stars; one submission).

Conditions:
Cardiovascular phenotype. Identifiers: MedGen CN230736.

Submission:

Ambry Genetics
Classification: Uncertain significance for Cardiovascular phenotype. Last evaluated: 2025-08-12. Review status: criteria provided, single submitter. Criteria: Ambry Variant Classification Scheme 2023. Collection method: clinical testing. Allele origin: germline.
Comment: The p.P3696A variant (also known as c.11086C>G), located in coding exon 2 of the ZNF469 gene, results from a C to G substitution at nucleotide position 11086. The proline at codon 3696 is replaced by alanine, an amino acid with highly similar properties. This amino acid position is conserved. In addition, this alteration is predicted to be tolerated by in silico analysis. Based on the available evidence, the clinical significance of this variant remains unclear.

NM_001127464.1:c.11086C>G

Gene: ZNF469 (zinc finger protein 469; plus strand).
Variant type: single nucleotide variant.
Identifiers: ClinVar variation 4209206 (VCV004209206.1).